The following is an entry in ClinVar:

NM_032188.3(KAT8):c.55G>A (p.Gly19Arg)

Gene: KAT8 (lysine acetyltransferase 8; plus strand). Cytogenetic location: 16p11.2.
Variant type: single nucleotide variant.
Coding change: c.55G>A on transcript NM_032188.3 (MANE Select); coding-DNA position 55, G replaced by A.
Protein change: p.Gly19Arg; replaces glycine 19 with arginine.
Molecular consequence: missense variant.
Genome position (GRCh38, 1-based): chr16:31,117,736, G>A. VCF-style: chr16-31117736-G-A. GRCh37 (hg19) VCF-style: chr16-31129057-G-A.
Other names: c.55G>A, p.Gly19Arg (NM_182958.4); short protein forms G19R.
Identifiers: ClinVar variation 3372853 (VCV003372853.1).
Genomic context (GRCh38, chr16:31,117,736, plus strand): 5'-CCCGCGATGGCGGCACAGGGAGCTGCTGCGGCGGTTGCGGCGGGGACTTCAGGGGTCGCG[G>A]GGGAGGGCGAGCCCGGGCCCGGGGAGAATGCGGCCGCTGAGGGGACCGCCCCATCCCCGG-3'
Protein context (NP_115564.2, residues 9-29): AVAAGTSGVA[Gly19Arg]EGEPGPGENA

ClinVar aggregate classification (germline): Uncertain significance (1 of 4 stars; one submission).

Submission:

GeneDx
Classification: Uncertain significance. Last evaluated: 2024-04-21. Review status: criteria provided, single submitter. Criteria: GeneDx Variant Classification Process June 2021. Collection method: clinical testing. Allele origin: germline. Affected: yes.
Comment: Not observed at significant frequency in large population cohorts (gnomAD); In silico analysis supports that this missense variant has a deleterious effect on protein structure/function; Has not been previously published as pathogenic or benign to our knowledge